The following is an entry in ClinVar:

NM_000051.4(ATM):c.2618G>C (p.Gly873Ala)

Gene: ATM (ATM serine/threonine kinase; plus strand). Cytogenetic location: 11q22.3.
Variant type: single nucleotide variant.
Coding change: c.2618G>C on transcript NM_000051.4 (MANE Select); coding-DNA position 2618, G replaced by C.
Protein change: p.Gly873Ala; replaces glycine 873 with alanine.
Molecular consequence: missense variant.
Genome position (GRCh38, 1-based): chr11:108,267,322, G>C. VCF-style: chr11-108267322-G-C. GRCh37 (hg19) VCF-style: chr11-108138049-G-C.
Other names: c.2618G>C, p.Gly873Ala (NM_001351834.2); short protein forms G873A.
Identifiers: ClinVar variation 954114 (VCV000954114.10), dbSNP rs2081312461, ClinGen allele CA382544253.
Genomic context (GRCh38, chr11:108,267,322, plus strand): 5'-CATCCATGAATCTATTTAACGATTACCCTGATAGTAGTGTTAGTGATGCAAACGAACCTG[G>C]AGAGAGCCAAAGTACCATAGGTAAATACATATTTACTACTTGGGATTTCTTTTACTTCTT-3'
Protein context (NP_000042.3, residues 863-883): DSSVSDANEP[Gly873Ala]ESQSTIGAIN

ClinVar aggregate classification (germline): Uncertain significance. Review status: criteria provided, multiple submitters, no conflicts (2 of 4 stars). 2 submissions from 2 submitters: Uncertain significance (2). Last evaluated 2023-12-31.

Conditions:
Ataxia-telangiectasia syndrome (AT). Also called: LOUIS-BAR SYNDROME; Ataxia telangiectasia (A-T); Cerebello-oculocutaneous telangiectasia; Immunodeficiency with ataxia telangiectasia; ATAXIA-TELANGIECTASIA, COMPLEMENTATION GROUP A; ATAXIA-TELANGIECTASIA, FRESNO VARIANT. Identifiers: Orphanet 100, MedGen C0004135, MONDO:0008840, OMIM 208900.
Hereditary cancer-predisposing syndrome. Also called: Hereditary neoplastic syndrome; Tumor predisposition; Neoplastic Syndromes, Hereditary; Hereditary Cancer Syndrome. Identifiers: Orphanet 140162, MedGen C0027672, MeSH D009386, MONDO:0015356.

Submissions (2):

Ambry Genetics
Classification: Uncertain significance for Hereditary cancer-predisposing syndrome. Last evaluated: 2023-12-31. Review status: criteria provided, single submitter. Criteria: Ambry Variant Classification Scheme 2023. Collection method: clinical testing. Allele origin: germline.
Comment: The p.G873A variant (also known as c.2618G>C), located in coding exon 16 of the ATM gene, results from a G to C substitution at nucleotide position 2618. The glycine at codon 873 is replaced by alanine, an amino acid with similar properties. This amino acid position is conserved. In addition, this alteration is predicted to be tolerated by in silico analysis. Since supporting evidence is limited at this time, the clinical significance of this alteration remains unclear.

Labcorp Genetics (formerly Invitae), Labcorp
Classification: Uncertain significance for Ataxia-telangiectasia syndrome. Last evaluated: 2019-07-20. Review status: criteria provided, single submitter. Criteria: Invitae Variant Classification Sherloc (09022015). Collection method: clinical testing. Allele origin: germline.
Comment: In summary, the available evidence is currently insufficient to determine the role of this variant in disease. Therefore, it has been classified as a Variant of Uncertain Significance. Algorithms developed to predict the effect of missense changes on protein structure and function (SIFT, PolyPhen-2, Align-GVGD) all suggest that this variant is likely to be tolerated, but these predictions have not been confirmed by published functional studies and their clinical significance is uncertain. This sequence change replaces glycine with alanine at codon 873 of the ATM protein (p.Gly873Ala). The glycine residue is moderately conserved and there is a small physicochemical difference between glycine and alanine. This variant is not present in population databases (ExAC no frequency). This variant has not been reported in the literature in individuals with ATM-related conditions.